The following is an entry in ClinVar:

ClinVar aggregate classification (germline): Benign. Review status: criteria provided, multiple submitters, no conflicts (2 of 4 stars). 3 submissions from 2 submitters: Benign (3). Last evaluated 2018-01-12.

Conditions:
Atrichia with papular lesions (APL). Also called: PAPULAR ATRICHIA. Identifiers: Orphanet 86819, MedGen C1859592, MONDO:0008847, OMIM 209500.
Alopecia universalis congenita (ALUNC). Also called: ATRICHIA, GENERALIZED. Identifiers: Orphanet 701, MedGen C1859877, MONDO:0008757, OMIM 203655.

Allele frequency attached by ClinVar (database versions not stated): 1000 Genomes Project 30x 0.00859; 1000 Genomes Project 0.00899; gnomAD exomes 0.00943; TOPMed 0.01482; gnomAD 0.01591 and 0.01614.
gnomAD v4.1: 2,409 of 151,986 alleles (1.6%); highest among the groups gnomAD compares: Non-Finnish European, 2%; 19 homozygotes.

Submissions (3):

Illumina Laboratory Services, Illumina
Classification: Benign for Alopecia universalis congenita. Last evaluated: 2018-01-12. Review status: criteria provided, single submitter. Criteria: ICSL Variant Classification Criteria 13 December 2019. Collection method: clinical testing. Allele origin: germline.
Comment: This variant was observed in the ICSL laboratory as part of a predisposition screen in an ostensibly healthy population. It had not been previously curated by ICSL or reported in the Human Gene Mutation Database (HGMD: prior to June 1st, 2018), and was therefore a candidate for classification through an automated scoring system. Utilizing variant allele frequency, disease prevalence and penetrance estimates, and inheritance mode, an automated score was calculated to assess if this variant is too frequent to cause the disease. Based on the score and internal cut-off values, a variant classified as benign is not then subjected to further curation. The score for this variant resulted in a classification of benign for this disease.

Illumina Laboratory Services, Illumina
Classification: Benign for Atrichia with papular lesions. Last evaluated: 2018-01-12. Review status: criteria provided, single submitter. Criteria: ICSL Variant Classification Criteria 13 December 2019. Collection method: clinical testing. Allele origin: germline.
Comment: the same text as in the submission from Illumina Laboratory Services, Illumina above.

Breakthrough Genomics
Classification: Benign. Review status: criteria provided, single submitter. Criteria: ACMG Guidelines, 2015. Collection method: not provided. Allele origin: germline. Inheritance: Autosomal recessive inheritance. Affected: yes.

NM_005144.5(HR):c.-333T>C

Genes: HR (HR lysine demethylase and nuclear receptor corepressor; minus strand), HRURF (HR upstream open reading frame; minus strand). Cytogenetic location: 8p21.3.
Variant type: single nucleotide variant.
Coding change: c.-333T>C on transcript NM_005144.5 (MANE Select); 333 bases upstream of the start codon, T replaced by C.
Molecular consequence: 5 prime UTR variant.
Genome position (GRCh38, 1-based): chr8:22,130,720, A>G on the plus strand (T>C on the coding strand, the complement: HR is on the minus strand). VCF-style: chr8-22130720-A-G. GRCh37 (hg19) VCF-style: chr8-21988233-A-G.
Other names: c.-12T>C (NM_001394132.1); c.-333T>C (NM_018411.4).
Identifiers: ClinVar variation 362537 (VCV000362537.6), dbSNP rs147674174, ClinGen allele CA10630670.
Genomic context (GRCh38, chr8:22,130,720, plus strand): 5'-CGCGGATCGGCCGCACCAGCTTCTGGGCCGAGGCCGTAGGTTGCGCCATGGGACGCCGAG[A>G]CTCCGTGCTGCGCCGCGGGGAGGGCCGGGCCGGGGCTAGGGAGCGGGTGCCCCCGGAGGG-3'